The following is an entry in ClinVar:

NM_021831.6(AGBL5):c.2105del (p.Asp702fs)

Gene: AGBL5 (AGBL carboxypeptidase 5; plus strand). Cytogenetic location: 2p23.3.
Variant type: Deletion.
Coding change: c.2105del on transcript NM_021831.6 (MANE Select); coding-DNA position 2105, one base deleted (A; older notation c.2105delA).
Protein change: p.Asp702fs; shifts the reading frame from aspartic acid 702.
Molecular consequence: frameshift variant. On other transcripts: non-coding transcript variant (2).
Genome position (GRCh38, 1-based): chr2:27,067,509, A deleted. VCF-style (leftmost placement, unchanged base first): chr2-27067508-GA-G. GRCh37 (hg19) VCF-style: chr2-27290376-GA-G.
Other names: short protein forms D702fs.
Identifiers: ClinVar variation 1006794 (VCV001006794.8), dbSNP rs767104618, ClinGen allele CA1568098.
Genomic context (GRCh38, chr2:27,067,508, plus strand): 5'-GCCCCACTTATTTGCCCTTTTATCTGCTTGTATCTCTTCCACTCAGAGCCCCGAAGCCAG[GA>G]CAGGAGACGGCAGCAGCAGCCCCTGAACCATCGTCCTGCAGGCAGCCTCGCTCCATCCCC-3'

ClinVar aggregate classification (germline): Uncertain significance (1 of 4 stars; one submission).

Allele frequency attached by ClinVar (database versions not stated): gnomAD exomes below 0.00001 and 0.00001; TOPMed below 0.00001; gnomAD 0.00001; ExAC 0.00002.

Submission:

Labcorp Genetics (formerly Invitae), Labcorp
Classification: Uncertain significance. Last evaluated: 2022-08-21. Review status: criteria provided, single submitter. Criteria: Invitae Variant Classification Sherloc (09022015). Collection method: clinical testing. Allele origin: germline.
Comment: This variant has not been reported in the literature in individuals affected with AGBL5-related conditions. ClinVar contains an entry for this variant (Variation ID: 1006794). In summary, the available evidence is currently insufficient to determine the role of this variant in disease. Therefore, it has been classified as a Variant of Uncertain Significance. This sequence change creates a premature translational stop signal (p.Asp702Alafs*9) in the AGBL5 gene. However, it is currently unclear if variants that occur in this region of the gene cause disease. This variant is present in population databases (rs767104618, gnomAD 0.009%).